The following is an entry in ClinVar:

ClinVar aggregate classification (germline): Uncertain significance (1 of 4 stars; one submission).

Conditions:
Fanconi anemia (FA). Also called: Fanconi's anemia. Identifiers: Orphanet 84, MedGen C0015625, MeSH D005199, MONDO:0019391.

Allele frequency attached by ClinVar (database versions not stated): gnomAD exomes 0.00001 and 0.00002; ExAC 0.00005.
gnomAD v4.1: 10 of 1,613,672 alleles (0.00062%); highest among the groups gnomAD compares: Non-Finnish European, 0.00085%; no homozygotes.

Submission:

Labcorp Genetics (formerly Invitae), Labcorp
Classification: Uncertain significance for Fanconi anemia. Last evaluated: 2024-04-10. Review status: criteria provided, single submitter. Criteria: Invitae Variant Classification Sherloc (09022015). Collection method: clinical testing. Allele origin: germline.
Comment: This sequence change replaces isoleucine, which is neutral and non-polar, with valine, which is neutral and non-polar, at codon 213 of the FANCM protein (p.Ile213Val). This variant is present in population databases (rs754976437, gnomAD 0.005%). This variant has not been reported in the literature in individuals affected with FANCM-related conditions. ClinVar contains an entry for this variant (Variation ID: 863798). Algorithms developed to predict the effect of missense changes on protein structure and function output the following: SIFT: "Not Available"; PolyPhen-2: "Benign"; Align-GVGD: "Not Available". The valine amino acid residue is found in multiple mammalian species, which suggests that this missense change does not adversely affect protein function. In summary, the available evidence is currently insufficient to determine the role of this variant in disease. Therefore, it has been classified as a Variant of Uncertain Significance.

NM_020937.4(FANCM):c.637A>G (p.Ile213Val)

Gene: FANCM (FA complementation group M; plus strand). Cytogenetic location: 14q21.2.
Variant type: single nucleotide variant.
Coding change: c.637A>G on transcript NM_020937.4 (MANE Select); coding-DNA position 637, A replaced by G.
Protein change: p.Ile213Val; replaces isoleucine 213 with valine.
Molecular consequence: missense variant.
Genome position (GRCh38, 1-based): chr14:45,137,197, A>G. VCF-style: chr14-45137197-A-G. GRCh37 (hg19) VCF-style: chr14-45606400-A-G.
Other names: c.637A>G, p.Ile213Val (NM_001308133.2, NM_001308134.2); short protein forms I213V.
Identifiers: ClinVar variation 863798 (VCV000863798.9), dbSNP rs754976437, ClinGen allele CA7168814.
Genomic context (GRCh38, chr14:45,137,197, plus strand): 5'-GTCATGGTAAATGACCTTTCTAGAGGAGCTTGTCCCGCTGCTGAAATAAAGTGTTTAGTT[A>G]TTGATGAAGCTCATAAAGCTCTCGGAAACTATGCTTATTGCCAGGTAATAATTTTGTTAA-3'
Protein context (NP_065988.1, residues 203-223): CPAAEIKCLV[Ile213Val]DEAHKALGNY